The following is an entry in ClinVar:

NM_016642.4(SPTBN5):c.9994G>A (p.Glu3332Lys)

Gene: SPTBN5 (spectrin beta, non-erythrocytic 5; minus strand). Cytogenetic location: 15q15.1.
Variant type: single nucleotide variant.
Coding change: c.9994G>A on transcript NM_016642.4 (MANE Select); coding-DNA position 9994, G replaced by A.
Protein change: p.Glu3332Lys; replaces glutamic acid 3332 with lysine.
Molecular consequence: missense variant.
Genome position (GRCh38, 1-based): chr15:41,853,434, C>T on the plus strand (G>A on the coding strand, the complement: SPTBN5 is on the minus strand). VCF-style: chr15-41853434-C-T. GRCh37 (hg19) VCF-style: chr15-42145632-C-T.
Other names: c.9994G>A (NM_016642.3); short protein forms E3332K.
Identifiers: ClinVar variation 2481101 (VCV002481101.3), dbSNP rs904303516, ClinGen allele CA269736234.

ClinVar aggregate classification (germline): Uncertain significance. Review status: criteria provided, multiple submitters, no conflicts (2 of 4 stars). 2 submissions from 2 submitters: Uncertain significance (2). Last evaluated 2023-02-06.

Conditions:
SPTBN5-related disorder. Also called: SPTBN5-related condition.

Allele frequency attached by ClinVar (database versions not stated): gnomAD 0.00001; TOPMed 0.00002.
gnomAD v4.1: 2 of 1,584,924 alleles (0.00013%); highest among the groups gnomAD compares: Non-Finnish European, 0.00017%; no homozygotes.

Submissions (2):

Ambry Genetics
Classification: Uncertain significance. Last evaluated: 2023-02-06. Review status: criteria provided, single submitter. Criteria: Ambry Variant Classification Scheme 2023. Collection method: clinical testing. Allele origin: germline.

PreventionGenetics, part of Exact Sciences
Classification: Uncertain significance for SPTBN5-related condition. Last evaluated: 2023-01-31. Review status: criteria provided, single submitter. Criteria: ACMG Guidelines, 2015. Collection method: clinical testing. Allele origin: germline.
Comment: The SPTBN5 c.9994G>A variant is predicted to result in the amino acid substitution p.Glu3332Lys. To our knowledge, this variant has not been reported in the literature or in a large population database, indicating this variant is rare. At this time, the clinical significance of this variant is uncertain due to the absence of conclusive functional and genetic evidence.